The following is an entry in ClinVar:

ClinVar aggregate classification (germline): Uncertain significance (1 of 4 stars; one submission).

Conditions:
Hereditary cancer-predisposing syndrome. Also called: Hereditary Cancer Syndrome; Hereditary neoplastic syndrome; Neoplastic Syndromes, Hereditary; Tumor predisposition. Identifiers: Orphanet 140162, MedGen C0027672, MeSH D009386, MONDO:0015356.

Submission:

Sema4
Classification: Uncertain significance for Hereditary cancer-predisposing syndrome. Last evaluated: 2022-02-07. Review status: criteria provided, single submitter. Criteria: Sema4 Curation Guidelines. Collection method: curation. Allele origin: germline.
Comment: The RAD51C c.1046C>G (p.T349S) variant has not been reported in the literature to our knowledge. It was not observed in the large and broad cohorts of the Genome Aggregation Database (PMID: 32461654). The variant has not been reported in ClinVar. In silico tools suggest the impact of the variant on protein function is benign, though these predictions have not been confirmed by functional studies. The evidence is insufficient to meet ACMG/AMP criteria for classifying the variant as benign or pathogenic. Thus, the clinical significance of this variant is currently uncertain.

NM_058216.3(RAD51C):c.1046C>G (p.Thr349Ser)

Gene: RAD51C (RAD51 paralog C; plus strand). Cytogenetic location: 17q22.
Variant type: single nucleotide variant.
Coding change: c.1046C>G on transcript NM_058216.3 (MANE Select); coding-DNA position 1046, C replaced by G.
Protein change: p.Thr349Ser; replaces threonine 349 with serine.
Molecular consequence: missense variant. On other transcripts: non-coding transcript variant (1).
Genome position (GRCh38, 1-based): chr17:58,734,137, C>G. VCF-style: chr17-58734137-C-G. GRCh37 (hg19) VCF-style: chr17-56811498-C-G.
Other names: short protein forms T349S.
Identifiers: ClinVar variation 1692061 (VCV001692061.1), dbSNP rs776823687, ClinGen allele CA400366001.